The following is an entry in ClinVar:

ClinVar aggregate classification (germline): Uncertain significance (1 of 4 stars; one submission).

Conditions:
Hereditary pancreatitis (PCTT). Also called: Hereditary chronic pancreatitis; PRSS1-Related Hereditary Pancreatitis. Identifiers: Orphanet 676, MedGen C0238339, MONDO:0008185, OMIM 167800.

Allele frequency attached by ClinVar (database versions not stated): gnomAD exomes below 0.00001.
gnomAD v4.1: 3 of 1,614,158 alleles (0.00019%); highest among the groups gnomAD compares: Non-Finnish European, 0.00017%; no homozygotes.

Submission:

Ambry Genetics
Classification: Uncertain significance for Hereditary pancreatitis. Last evaluated: 2022-12-11. Review status: criteria provided, single submitter. Criteria: Ambry Variant Classification Scheme 2023. Collection method: clinical testing. Allele origin: germline.
Comment: The p.S216F variant (also known as c.647C>T), located in coding exon 7 of the CTRC gene, results from a C to T substitution at nucleotide position 647. The serine at codon 216 is replaced by phenylalanine, an amino acid with highly dissimilar properties. This amino acid position is conserved. In addition, this alteration is predicted to be deleterious by in silico analysis. Since supporting evidence is limited at this time, the clinical significance of this alteration remains unclear.

NM_007272.3(CTRC):c.647C>T (p.Ser216Phe)

Gene: CTRC (chymotrypsin C; plus strand). Cytogenetic location: 1p36.21.
Variant type: single nucleotide variant.
Coding change: c.647C>T on transcript NM_007272.3 (MANE Select); coding-DNA position 647, C replaced by T.
Protein change: p.Ser216Phe; replaces serine 216 with phenylalanine.
Molecular consequence: missense variant.
Genome position (GRCh38, 1-based): chr1:15,445,604, C>T. VCF-style: chr1-15445604-C-T. GRCh37 (hg19) VCF-style: chr1-15772099-C-T.
Other names: short protein forms S216F.
Identifiers: ClinVar variation 2497345 (VCV002497345.2), dbSNP rs1208945786, ClinGen allele CA338567687.